The following is an entry in ClinVar:

ClinVar aggregate classification (germline): Uncertain significance (1 of 4 stars; one submission).

Allele frequency attached by ClinVar (database versions not stated): gnomAD exomes 0.00001 and 0.00003; ExAC 0.00005; gnomAD 0.00007 and 0.00008; TOPMed 0.00012; ESP Exome Variant Server 0.00015.
gnomAD v4.1: 26 of 1,613,462 alleles (0.0016%); highest among the groups gnomAD compares: African/African-American, 0.032%; no homozygotes.

Submission:

Labcorp Genetics (formerly Invitae), Labcorp
Classification: Uncertain significance. Last evaluated: 2021-10-15. Review status: criteria provided, single submitter. Criteria: Invitae Variant Classification Sherloc (09022015). Collection method: clinical testing. Allele origin: germline.
Comment: This sequence change falls in intron 38 of the NBAS gene. It does not directly change the encoded amino acid sequence of the NBAS protein. It affects a nucleotide within the consensus splice site of the intron. This variant is present in population databases (rs377042164, ExAC 0.06%). This variant has not been reported in the literature in individuals affected with NBAS-related conditions. Nucleotide substitutions within the consensus splice site are a relatively common cause of aberrant splicing (PMID: 17576681, 9536098). Algorithms developed to predict the effect of sequence changes on RNA splicing suggest that this variant is not likely to affect RNA splicing. In summary, the available evidence is currently insufficient to determine the role of this variant in disease. Therefore, it has been classified as a Variant of Uncertain Significance.

Literature cited by the submitters: PubMed 17576681; PubMed 9536098.

NM_015909.4(NBAS):c.4582+4A>G

Gene: NBAS (NBAS subunit of NRZ tethering complex; minus strand). Cytogenetic location: 2p24.3.
Variant type: single nucleotide variant.
Coding change: c.4582+4A>G on transcript NM_015909.4 (MANE Select); 4 bases into the intron after coding-DNA position 4582, A replaced by G.
Molecular consequence: intron variant.
Genome position (GRCh38, 1-based): chr2:15,327,746, T>C on the plus strand (A>G on the coding strand, the complement: NBAS is on the minus strand). VCF-style: chr2-15327746-T-C. GRCh37 (hg19) VCF-style: chr2-15467870-T-C.
Identifiers: ClinVar variation 1521091 (VCV001521091.3), dbSNP rs377042164, ClinGen allele CA1535612.